The following is an entry in ClinVar:

ClinVar aggregate classification (germline): Uncertain significance (1 of 4 stars; one submission).

Conditions:
Inborn genetic diseases. Identifiers: MedGen C0950123, MeSH D030342.

Submission:

Ambry Genetics
Classification: Uncertain significance for Inborn genetic diseases. Last evaluated: 2023-10-13. Review status: criteria provided, single submitter. Criteria: Ambry Variant Classification Scheme 2023. Collection method: clinical testing. Allele origin: germline.
Comment: The p.E1277D variant (also known as c.3831G>C), located in coding exon 21 of the ATR gene, results from a G to C substitution at nucleotide position 3831. The glutamic acid at codon 1277 is replaced by aspartic acid, an amino acid with highly similar properties. This amino acid position is conserved. In addition, this alteration is predicted to be tolerated by in silico analysis. Since supporting evidence is limited at this time, the clinical significance of this alteration remains unclear.

NM_001184.4(ATR):c.3831G>C (p.Glu1277Asp)

Gene: ATR (ATR checkpoint kinase; minus strand). Cytogenetic location: 3q23.
Variant type: single nucleotide variant.
Coding change: c.3831G>C on transcript NM_001184.4 (MANE Select); coding-DNA position 3831, G replaced by C.
Protein change: p.Glu1277Asp; replaces glutamic acid 1277 with aspartic acid.
Molecular consequence: missense variant.
Genome position (GRCh38, 1-based): chr3:142,535,194, C>G on the plus strand (G>C on the coding strand, the complement: ATR is on the minus strand). VCF-style: chr3-142535194-C-G. GRCh37 (hg19) VCF-style: chr3-142254036-C-G.
Other names: c.3639G>C, p.Glu1213Asp (NM_001354579.2); short protein forms E1213D, E1277D.
Identifiers: ClinVar variation 3221144 (VCV003221144.1), dbSNP rs2108425339, ClinGen allele CA354806420.